The following is an entry in ClinVar:

ClinVar aggregate classification (germline): Uncertain significance (1 of 4 stars; one submission).

Conditions:
Developmental and epileptic encephalopathy, 43 (DEE43). Also called: Epileptic encephalopathy, early infantile, 43. Identifiers: MedGen C4310712, MONDO:0014921, OMIM 617113.

Submission:

3billion
Classification: Uncertain significance for Developmental and epileptic encephalopathy, 43. Last evaluated: 2025-10-25. Review status: criteria provided, single submitter. Criteria: ACMG Guidelines, 2015. Collection method: clinical testing. Allele origin: germline. Affected: yes.
Comment: The variant is not observed in the gnomAD v4.1.0 dataset. Predicted Consequence/Location: Missense variant. Missense changes are a common disease-causing mechanism. In silico tool predictions suggest no damaging effect of the variant on gene or gene product [REVEL: 0.31 (<0.4); 3Cnet: 0.01 (<0.1, specificity 0.84 and negative predicitive value 0.97)]. Therefore, this variant is classified as VUS according to the recommendation of ACMG/AMP guideline.

NM_000814.6(GABRB3):c.8G>T (p.Gly3Val)

Gene: GABRB3 (gamma-aminobutyric acid type A receptor subunit beta3; minus strand). Cytogenetic location: 15q12.
Variant type: single nucleotide variant.
Coding change: c.8G>T on transcript NM_000814.6 (MANE Select); coding-DNA position 8, G replaced by T.
Protein change: p.Gly3Val; replaces glycine 3 with valine.
Molecular consequence: missense variant. On other transcripts: 5 prime UTR variant (1), intron variant (1).
Genome position (GRCh38, 1-based): chr15:26,772,955, C>A on the plus strand (G>T on the coding strand, the complement: GABRB3 is on the minus strand). VCF-style: chr15-26772955-C-A. GRCh37 (hg19) VCF-style: chr15-27018102-C-A.
Other names: c.-344G>T (NM_001278631.2); c.81-183G>T (NM_021912.5); short protein forms G3V.
Identifiers: ClinVar variation 4856369 (VCV004856369.1).